The following is an entry in ClinVar:

ClinVar aggregate classification (germline): Pathogenic/Likely pathogenic. Review status: criteria provided, multiple submitters, no conflicts (2 of 4 stars). 2 submissions from 2 submitters: Pathogenic (1); Likely pathogenic (1). Last evaluated 2023-11-09.

Conditions:
RAD50-related disorder. Also called: RAD50-related condition.
Hereditary cancer-predisposing syndrome. Also called: Hereditary Cancer Syndrome; Hereditary neoplastic syndrome; Neoplastic Syndromes, Hereditary; Tumor predisposition. Identifiers: Orphanet 140162, MedGen C0027672, MeSH D009386, MONDO:0015356.

Allele frequency attached by ClinVar (database versions not stated): gnomAD exomes below 0.00001.

Submissions (2):

Blueprint Genetics
Classification: Likely pathogenic for RAD50-related disorders. Last evaluated: 2023-11-09. Review status: criteria provided, single submitter. Criteria: ACMG Guidelines, 2015. Collection method: clinical testing. Allele origin: germline. Affected: yes. Observed: 1 variant allele.

Ambry Genetics
Classification: Pathogenic for Hereditary cancer-predisposing syndrome. Last evaluated: 2022-04-07. Review status: criteria provided, single submitter. Criteria: Ambry Variant Classification Scheme 2023. Collection method: clinical testing. Allele origin: germline.
Comment: The c.1407dupA pathogenic mutation, located in coding exon 9 of the RAD50 gene, results from a duplication of A at nucleotide position 1407, causing a translational frameshift with a predicted alternate stop codon (p.S470Ifs*7). This variant is considered to be rare based on population cohorts in the Genome Aggregation Database (gnomAD). This alteration is expected to result in loss of function by premature protein truncation or nonsense-mediated mRNA decay. As such, this alteration is interpreted as a disease-causing mutation.

NM_005732.4(RAD50):c.1407dup (p.Ser470fs)

Gene: RAD50 (RAD50 double strand break repair protein; plus strand). Cytogenetic location: 5q31.1.
Variant type: Duplication.
Coding change: c.1407dup on transcript NM_005732.4 (MANE Select); coding-DNA position 1407, one base duplicated (A; older notation c.1407dupA).
Protein change: p.Ser470fs; shifts the reading frame from serine 470.
Molecular consequence: frameshift variant.
Genome position (GRCh38, 1-based): chr5:132,589,792, A duplicated. VCF-style (leftmost placement, unchanged base first): chr5-132589791-G-GA. GRCh37 (hg19) VCF-style: chr5-131925483-G-GA.
Other names: short protein forms S470fs.
Identifiers: ClinVar variation 1771925 (VCV001771925.3), dbSNP rs2479637362, ClinGen allele CA2580072721.